The following is an entry in ClinVar:

NM_017739.4(POMGNT1):c.1820del (p.Asn607fs)

Genes: POMGNT1 (protein O-linked mannose N-acetylglucosaminyltransferase 1 (beta 1,2-); minus strand), TSPAN1 (tetraspanin 1; plus strand). Cytogenetic location: 1p34.1.
Variant type: Deletion.
Coding change: c.1820del on transcript NM_017739.4 (MANE Select); coding-DNA position 1820, one base deleted (A; older notation c.1820delA).
Protein change: p.Asn607fs; shifts the reading frame from asparagine 607.
Molecular consequence: frameshift variant.
Genome position (GRCh38, 1-based): chr1:46,189,533, T deleted on the plus strand (A on the coding strand, the reverse complement: POMGNT1 is on the minus strand); the first of 2 consecutive T bases (chr1:46,189,533-46,189,534); deleting either gives the same sequence. VCF-style (leftmost placement, unchanged base first): chr1-46189532-GT-G. GRCh37 (hg19) VCF-style: chr1-46655204-GT-G.
Other names: c.1820del, p.Asn607fs (NM_001243766.2, NM_001410783.1, NM_001437653.1 and 3 more transcripts); c.1754del, p.Asn585fs (NM_001290129.3, NM_001438691.1, NM_001438692.1); c.1391del, p.Asn464fs (NM_001290130.2); short protein forms N464fs, N585fs, N607fs.
Identifiers: ClinVar variation 4815901 (VCV004815901.1).

ClinVar aggregate classification (germline): Likely pathogenic (1 of 4 stars; one submission).

Conditions:
Muscle eye brain disease (MEB). Also called: Santavuori congenital muscular dystrophy. Identifiers: Orphanet 588, Orphanet 899, MedGen C0457133, MONDO:0018939.

Submission:

Natera, Inc.
Classification: Likely pathogenic for Muscle-eye-brain disease. Last evaluated: 2025-11-13. Review status: criteria provided, single submitter. Criteria: Natera Variant Classification Schema (03/2026). Collection method: clinical testing. Allele origin: germline.
Comment: The c.1820del variant in POMGNT1 is a frameshift variant predicted to shift the reading frame beginning at codon 607 and leads to a stop codon 27 codons downstream. This variant is expected to result in nonsense mediated decay, truncation, or a dysfunctional protein product. This variant is rare in the general population with a frequency below the threshold expected for the associated phenotype(s). Given the available evidence, this variant is classified as Likely Pathogenic.